The following is an entry in ClinVar:

ClinVar aggregate classification (germline): Pathogenic. Review status: criteria provided, multiple submitters, no conflicts (2 of 4 stars). 3 submissions from 3 submitters: Pathogenic (3). Last evaluated 2023-06-28.

Conditions:
X-linked Alport syndrome (ATS1). Also called: COL4A5-Related Nephropathy; NEPHROPATHY AND DEAFNESS, X-LINKED. Identifiers: Orphanet 63, Orphanet 88917, MedGen C4746986, MONDO:0010520, OMIM 301050.

Submissions (4):

Labcorp Genetics (formerly Invitae), Labcorp
Classification: Pathogenic. Last evaluated: 2023-06-28. Review status: criteria provided, single submitter. Criteria: Invitae Variant Classification Sherloc (09022015). Collection method: clinical testing. Allele origin: germline.
Comment: This sequence change affects a donor splice site in intron 33 of the COL4A5 gene. It is expected to disrupt RNA splicing. Variants that disrupt the donor or acceptor splice site typically lead to a loss of protein function (PMID: 16199547), and loss-of-function variants in COL4A5 are known to be pathogenic (PMID: 9195222, 10752524, 14514738, 24854265, 26809805). For these reasons, this variant has been classified as Pathogenic. Studies have shown that disruption of this splice site is associated with altered splicing resulting in multiple RNA products (PMID: 32659759). This variant is not present in population databases (gnomAD no frequency). Disruption of this splice site has been observed in individuals with Alport syndrome (PMID: 8940267, 32659759). It has also been observed to segregate with disease in related individuals. This variant is also known as c.3119+1G>C. ClinVar contains an entry for this variant (Variation ID: 24574).

Women's Health and Genetics/Laboratory Corporation of America, LabCorp
Classification: Pathogenic for X-linked Alport syndrome. Last evaluated: 2022-12-23. Review status: criteria provided, single submitter. Criteria: LabCorp Variant Classification Summary - May 2015. Collection method: clinical testing. Allele origin: germline.
Comment: Variant summary: COL4A5 c.2917+1G>C is located in a canonical splice-site and is predicted to affect mRNA splicing resulting in a significantly altered protein due to either exon skipping, shortening, or inclusion of intronic material. Several computational tools predict a significant impact on normal splicing: Four predict the variant abolishes a 5' splicing donor site. At least one publication reports experimental evidence that this variant affects mRNA splicing (Lv_2020). The variant was absent in 180606 control chromosomes. These data indicate that the variant is likely to be associated with disease. Two clinical diagnostic laboratories have submitted clinical-significance assessments to ClinVar after 2014 and classified the variant as pathogenic. Based on the evidence outlined above, the variant was classified as pathogenic.

Gharavi Laboratory, Columbia University
Classification: Pathogenic. Last evaluated: 2018-09-16. Review status: criteria provided, single submitter. Criteria: ACMG Guidelines, 2015. Collection method: research. Allele origin: germline. Affected: yes.

Institute of Clinical Laboratory Science, Nanjing University Affiliated Jinling Hospital
No classification provided (evidence only). Condition: X-linked Alport syndrome. Last evaluated: 2017-05-21. Review status: no classification provided. Collection method: in vitro. Allele origin: not applicable. Inheritance: X-linked dominant inheritance. Functional consequence: exon loss. Not counted in ClinVar's aggregate classification.
Comment: In vitro minigene experiment showed that the mutation of c.2767g > t could cause 96 bases missing in exon 33 of COL4A5 gene

"Pathogenic" was previously submitted as the classification for the variant. However, the classification appeared to be based only on an observation of functional data so it was converted to no classification on 2025-07-30.

Literature cited by the submitters: PubMed 16199547 (cited by Labcorp Genetics (formerly Invitae), Labcorp); PubMed 9195222 (cited by Labcorp Genetics (formerly Invitae), Labcorp); PubMed 10752524 (cited by Labcorp Genetics (formerly Invitae), Labcorp); PubMed 14514738 (cited by Labcorp Genetics (formerly Invitae), Labcorp); PubMed 24854265 (cited by Labcorp Genetics (formerly Invitae), Labcorp); PubMed 26809805 (cited by Labcorp Genetics (formerly Invitae), Labcorp); PubMed 32659759 (cited by Labcorp Genetics (formerly Invitae), Labcorp and Women's Health and Genetics/Laboratory Corporation of America, LabCorp); PubMed 8940267 (cited by Labcorp Genetics (formerly Invitae), Labcorp and Women's Health and Genetics/Laboratory Corporation of America, LabCorp); PubMed 30586318 (cited by Women's Health and Genetics/Laboratory Corporation of America, LabCorp).

NM_033380.3(COL4A5):c.2917+1G>C

Gene: COL4A5 (collagen type IV alpha 5 chain; plus strand). Cytogenetic location: Xq22.3.
Variant type: single nucleotide variant.
Coding change: c.2917+1G>C on transcript NM_033380.3 (MANE Select); the canonical splice donor site of the intron after coding-DNA position 2917, G replaced by C.
Molecular consequence: splice donor variant.
Genome position (GRCh38, 1-based): chrX:108,622,826, G>C. VCF-style: chrX-108622826-G-C. GRCh37 (hg19) VCF-style: chrX-107866056-G-C.
Other names: c.2917+1G>C (NM_000495.5).
Identifiers: ClinVar variation 24574 (VCV000024574.11), dbSNP rs104886371, ClinGen allele CA258779.